The following is an entry in ClinVar:

NM_001110556.2(FLNA):c.2260A>G (p.Ile754Val)

Gene: FLNA (filamin A; minus strand). Cytogenetic location: Xq28.
Variant type: single nucleotide variant.
Coding change: c.2260A>G on transcript NM_001110556.2 (MANE Select); coding-DNA position 2260, A replaced by G.
Protein change: p.Ile754Val; replaces isoleucine 754 with valine.
Molecular consequence: missense variant.
Genome position (GRCh38, 1-based): chrX:154,364,042, T>C on the plus strand (A>G on the coding strand, the complement: FLNA is on the minus strand). VCF-style: chrX-154364042-T-C. GRCh37 (hg19) VCF-style: chrX-153592410-T-C.
Other names: c.2260A>G, p.Ile754Val (NM_001456.4); short protein forms I754V.
Identifiers: ClinVar variation 624459 (VCV000624459.46), dbSNP rs1569551769, ClinGen allele CA415237656.
Genomic context (GRCh38, chrX:154,364,042, plus strand): 5'-GCTATCGAGATGGACTAAAGGCCGGTGGAGGTTGGCTCACCCTGAAGGGGCTGTTGGGGA[T>C]GCTGACGCCTCCCCAGGACACCATGGCTGTGTGCTTCACCGGCTTCCTGGGCACGTAGGA-3'
Protein context (NP_001104026.1, residues 744-764): TAMVSWGGVS[Ile754Val]PNSPFRVNVG

ClinVar aggregate classification (germline): Conflicting classifications of pathogenicity. Review status: criteria provided, conflicting classifications (1 of 4 stars). 3 submissions from 3 submitters: Uncertain significance (2); Likely benign (1). Last evaluated 2025-07-13.

Conditions:
Familial thoracic aortic aneurysm and aortic dissection (TAAD). Also called: Thoracic aortic aneurysms and dissections. Identifiers: Orphanet 91387, MedGen C4707243, MONDO:0019625.
Heterotopia, periventricular, X-linked dominant (PVNH1). Also called: PERIVENTRICULAR NODULAR HETEROTOPIA 4; HETEROTOPIA, PERIVENTRICULAR, 1; PERIVENTRICULAR NODULAR HETEROTOPIA 1; X-linked periventricular heterotopia. Identifiers: Orphanet 2149, Orphanet 82004, MedGen C1848213, MONDO:0010233, OMIM 300049.
Frontometaphyseal dysplasia (FMD1). Identifiers: Orphanet 1826, MedGen C0265293, MONDO:0015942.
Oto-palato-digital syndrome, type II (OPD2). Also called: OPD II SYNDROME; Otopalatodigital Syndrome Type 2 (FLNA-OPD2); Otopalatodigital Syndrome, Type II; FACIOPALATOOSSEOUS SYNDROME. Identifiers: Orphanet 669, Orphanet 90652, MedGen C1844696, MONDO:0010571, OMIM 304120.
Melnick-Needles syndrome (MNS). Also called: MELNICK-NEEDLES OSTEODYSPLASTY; OSTEODYSPLASTY OF MELNICK AND NEEDLES; Melnick-Needles Syndrome (FLNA-MNS). Identifiers: Orphanet 2484, MedGen C0025237, MONDO:0010650, OMIM 309350.

Allele frequency attached by ClinVar (database versions not stated): gnomAD exomes below 0.00001.
gnomAD v4.1: 2 of 1,210,773 alleles (0.00017%); highest among the groups gnomAD compares: Non-Finnish European, 0.00022%; no homozygotes.

Submissions (3):

Labcorp Genetics (formerly Invitae), Labcorp
Classification: Uncertain significance for Oto-palato-digital syndrome, type II; Heterotopia, periventricular, X-linked dominant; Frontometaphyseal dysplasia; Melnick-Needles syndrome. Last evaluated: 2025-07-13. Review status: criteria provided, single submitter. Criteria: Invitae Variant Classification Sherloc (09022015). Collection method: clinical testing. Allele origin: germline.
Comment: This sequence change replaces isoleucine, which is neutral and non-polar, with valine, which is neutral and non-polar, at codon 754 of the FLNA protein (p.Ile754Val). This variant is not present in population databases (gnomAD no frequency). This variant has not been reported in the literature in individuals affected with FLNA-related conditions. ClinVar contains an entry for this variant (Variation ID: 624459). Invitae Evidence Modeling of protein sequence and biophysical properties (such as structural, functional, and spatial information, amino acid conservation, physicochemical variation, residue mobility, and thermodynamic stability) indicates that this missense variant is not expected to disrupt FLNA protein function with a negative predictive value of 95%. In summary, the available evidence is currently insufficient to determine the role of this variant in disease. Therefore, it has been classified as a Variant of Uncertain Significance.

Ambry Genetics
Classification: Likely benign for Familial thoracic aortic aneurysm and aortic dissection. Last evaluated: 2019-03-08. Review status: criteria provided, single submitter. Criteria: Ambry Variant Classification Scheme 2023. Collection method: clinical testing. Allele origin: germline.

CeGaT Center for Human Genetics Tuebingen
Classification: Uncertain significance. Last evaluated: 2018-04-01. Review status: criteria provided, single submitter. Criteria: CeGaT Center For Human Genetics Tuebingen Variant Classification Criteria Version 2. Collection method: clinical testing. Allele origin: germline. Affected: yes. Observed: 1 variant allele.